The following is an entry in ClinVar:

NM_002439.5(MSH3):c.2961T>G (p.Ile987Met)

Gene: MSH3 (mutS homolog 3; plus strand). Cytogenetic location: 5q14.1.
Variant type: single nucleotide variant.
Coding change: c.2961T>G on transcript NM_002439.5 (MANE Select); coding-DNA position 2961, T replaced by G.
Protein change: p.Ile987Met; replaces isoleucine 987 with methionine.
Molecular consequence: missense variant.
Genome position (GRCh38, 1-based): chr5:80,854,277, T>G. VCF-style: chr5-80854277-T-G. GRCh37 (hg19) VCF-style: chr5-80150096-T-G.
Other names: c.2961T>G (NM_002439.3); short protein forms I987M.
Identifiers: ClinVar variation 1001913 (VCV001001913.3), dbSNP rs1745879990, ClinGen allele CA360275781.
Genomic context (GRCh38, chr5:80,854,277, plus strand): 5'-ATCACAGTCCTTGGTTATCTTGGATGAACTAGGAAGAGGGACGAGCACTCATGATGGAAT[T>G]GCCATTGCCTATGCTACACTTGAGTATTTCATCAGAGATGTAAGTATCCGGTAAACTGTA-3'
Protein context (NP_002430.3, residues 977-997): LGRGTSTHDG[Ile987Met]AIAYATLEYF

ClinVar aggregate classification (germline): Uncertain significance. Review status: criteria provided, multiple submitters, no conflicts (2 of 4 stars). 2 submissions from 2 submitters: Uncertain significance (2). Last evaluated 2025-11-29.

Conditions:
Hereditary cancer-predisposing syndrome. Also called: Neoplastic Syndromes, Hereditary; Tumor predisposition; Hereditary Cancer Syndrome; Hereditary neoplastic syndrome. Identifiers: Orphanet 140162, MedGen C0027672, MeSH D009386, MONDO:0015356.

Submissions (2):

Ambry Genetics
Classification: Uncertain significance for Hereditary cancer-predisposing syndrome. Last evaluated: 2025-11-29. Review status: criteria provided, single submitter. Criteria: Ambry Variant Classification Scheme 2023. Collection method: clinical testing. Allele origin: germline.
Comment: The p.I987M variant (also known as c.2961T>G), located in coding exon 21 of the MSH3 gene, results from a T to G substitution at nucleotide position 2961. The isoleucine at codon 987 is replaced by methionine, an amino acid with highly similar properties. This amino acid position is conserved. In addition, the in silico prediction for this alteration is inconclusive. Based on the available evidence, the clinical significance of this variant remains unclear.

Labcorp Genetics (formerly Invitae), Labcorp
Classification: Uncertain significance. Last evaluated: 2021-08-27. Review status: criteria provided, single submitter. Criteria: Invitae Variant Classification Sherloc (09022015). Collection method: clinical testing. Allele origin: germline.
Comment: This sequence change replaces isoleucine with methionine at codon 987 of the MSH3 protein (p.Ile987Met). The isoleucine residue is moderately conserved and there is a small physicochemical difference between isoleucine and methionine. This variant is not present in population databases (ExAC no frequency). This variant has not been reported in the literature in individuals affected with MSH3-related conditions. Algorithms developed to predict the effect of missense changes on protein structure and function are either unavailable or do not agree on the potential impact of this missense change (SIFT: "Deleterious"; PolyPhen-2: "Probably Damaging"; Align-GVGD: "Class C0"). In summary, the available evidence is currently insufficient to determine the role of this variant in disease. Therefore, it has been classified as a Variant of Uncertain Significance.